The following is an entry in ClinVar:

NM_000535.7(PMS2):c.2045T>A (p.Phe682Tyr)

Gene: PMS2 (PMS1 homolog 2, mismatch repair system component; minus strand). Cytogenetic location: 7p22.1.
Variant type: single nucleotide variant.
Coding change: c.2045T>A on transcript NM_000535.7 (MANE Select); coding-DNA position 2045, T replaced by A.
Protein change: p.Phe682Tyr; replaces phenylalanine 682 with tyrosine.
Molecular consequence: missense variant. On other transcripts: non-coding transcript variant (1), intron variant (4).
Genome position (GRCh38, 1-based): chr7:5,982,953, A>T on the plus strand (T>A on the coding strand, the complement: PMS2 is on the minus strand). VCF-style: chr7-5982953-A-T. GRCh37 (hg19) VCF-style: chr7-6022584-A-T.
Other names: c.1484T>A, p.Phe495Tyr (NM_001322010.2, NM_001406906.1, NM_001406907.1); c.1112T>A, p.Phe371Tyr (NM_001322011.2, NM_001322012.2); c.1472T>A, p.Phe491Tyr (NM_001322013.2, NM_001406909.1); c.1937T>A, p.Phe646Tyr (NM_001406869.1); c.2231T>A, p.Phe744Tyr (NM_001406866.1); c.2045T>A, p.Phe682Tyr (NM_001322014.2, NM_001406871.1); c.2069T>A, p.Phe690Tyr (NM_001406868.1); c.1736T>A, p.Phe579Tyr (NM_001322015.2, NM_001406875.1, NM_001406877.1 and 5 more transcripts); and 16 more; short protein forms F425Y, F576Y, F579Y, F630Y, F281Y, F491Y, F511Y, F616Y.
Identifiers: ClinVar variation 2451623 (VCV002451623.2), dbSNP rs2128704267, ClinGen allele CA366738116.

ClinVar aggregate classification (germline): Uncertain significance (1 of 4 stars; one submission).

Conditions:
Hereditary cancer-predisposing syndrome. Also called: Neoplastic Syndromes, Hereditary; Tumor predisposition; Hereditary neoplastic syndrome; Hereditary Cancer Syndrome. Identifiers: Orphanet 140162, MedGen C0027672, MeSH D009386, MONDO:0015356.

Submission:

Ambry Genetics
Classification: Uncertain significance for Hereditary cancer-predisposing syndrome. Last evaluated: 2023-02-16. Review status: criteria provided, single submitter. Criteria: Ambry Variant Classification Scheme 2023. Collection method: clinical testing. Allele origin: germline.
Comment: The p.F682Y variant (also known as c.2045T>A), located in coding exon 12 of the PMS2 gene, results from a T to A substitution at nucleotide position 2045. The phenylalanine at codon 682 is replaced by tyrosine, an amino acid with highly similar properties. This amino acid position is conserved. In addition, the in silico prediction for this alteration is inconclusive. Since supporting evidence is limited at this time, the clinical significance of this alteration remains unclear.